The following is an entry in ClinVar:

ClinVar aggregate classification (germline): Uncertain significance (1 of 4 stars; one submission).

Conditions:
COL4A6-related disorder. Also called: COL4A6-related condition.

Submission:

PreventionGenetics, part of Exact Sciences
Classification: Uncertain significance for COL4A6-related condition. Last evaluated: 2024-12-16. Review status: criteria provided, single submitter. Criteria: ACMG Guidelines, 2015. Collection method: clinical testing. Allele origin: germline.
Comment: The COL4A6 c.3142-3A>G variant is predicted to interfere with splicing. To our knowledge, this variant has not been reported in the literature or in a large population database (gnomAD), indicating this variant is rare. At this time, the clinical significance of this variant is uncertain due to the absence of conclusive functional and genetic evidence.

NM_033641.4(COL4A6):c.3139-3A>G

Gene: COL4A6 (collagen type IV alpha 6 chain; minus strand). Cytogenetic location: Xq22.3.
Variant type: single nucleotide variant.
Coding change: c.3139-3A>G on transcript NM_033641.4 (MANE Select); 3 bases into the intron before coding-DNA position 3139, A replaced by G.
Molecular consequence: intron variant.
Genome position (GRCh38, 1-based): chrX:108,172,535, T>C on the plus strand (A>G on the coding strand, the complement: COL4A6 is on the minus strand). VCF-style: chrX-108172535-T-C. GRCh37 (hg19) VCF-style: chrX-107415765-T-C.
Other names: c.3142-3A>G (NM_001847.4, NM_001440759.1); c.3139-3A>G (NM_001287760.2, NM_001287759.2, NM_001440760.1); c.3190-3A>G (NM_001287758.2).
Identifiers: ClinVar variation 4998436 (VCV004998436.1).